The following is an entry in ClinVar:

NC_000016.9:g.(?_136704)_(188266_?)del

Gene: NPRL3 (NPR3 like, GATOR1 complex subunit; minus strand). Cytogenetic location: 16p13.3.
Variant type: Deletion.
Identifiers: ClinVar variation 3243545 (VCV003243545.1).

ClinVar aggregate classification (germline): Pathogenic (1 of 4 stars; one submission).

Conditions:
Epilepsy, familial focal, with variable foci 3 (FFEVF3). Identifiers: MedGen C4310708, MONDO:0014925, OMIM 617118.

Submission:

Labcorp Genetics (formerly Invitae), Labcorp
Classification: Pathogenic for Epilepsy, familial focal, with variable foci 3. Last evaluated: 2023-12-03. Review status: criteria provided, single submitter. Criteria: Invitae Variant Classification Sherloc (09022015). Collection method: clinical testing. Allele origin: unknown.
Comment: A gross deletion of the genomic region encompassing the full coding sequence of the NPRL3 gene has been identified. Loss-of-function variants in NPRL3 are known to be pathogenic (PMID: 26285051, 26505888). The boundaries of this event are unknown as they extend beyond the assayed region for this gene and therefore may encompass additional genes. This variant has not been reported in the literature in individuals affected with NPRL3-related conditions. For these reasons, this variant has been classified as Pathogenic.

Literature cited by the submitters: PubMed 26285051; PubMed 26505888.